The following is an entry in ClinVar:

ClinVar aggregate classification (germline): Uncertain significance (1 of 4 stars; one submission).

gnomAD v4.1: 6 of 1,580,480 alleles (0.00038%); highest among the groups gnomAD compares: Non-Finnish European, 0.00051%; no homozygotes.

Submission:

Labcorp Genetics (formerly Invitae), Labcorp
Classification: Uncertain significance. Last evaluated: 2024-10-07. Review status: criteria provided, single submitter. Criteria: Invitae Variant Classification Sherloc (09022015). Collection method: clinical testing. Allele origin: germline.
Comment: This sequence change replaces serine, which is neutral and polar, with alanine, which is neutral and non-polar, at codon 301 of the WNT3A protein (p.Ser301Ala). The frequency data for this variant in the population databases is considered unreliable, as metrics indicate poor data quality at this position in the gnomAD database. This variant has not been reported in the literature in individuals affected with WNT3A-related conditions. ClinVar contains an entry for this variant (Variation ID: 1467773). Invitae Evidence Modeling of protein sequence and biophysical properties (such as structural, functional, and spatial information, amino acid conservation, physicochemical variation, residue mobility, and thermodynamic stability) indicates that this missense variant is not expected to disrupt WNT3A protein function with a negative predictive value of 80%. In summary, the available evidence is currently insufficient to determine the role of this variant in disease. Therefore, it has been classified as a Variant of Uncertain Significance.

NM_033131.4(WNT3A):c.901T>G (p.Ser301Ala)

Gene: WNT3A (Wnt family member 3A; plus strand). Cytogenetic location: 1q42.13.
Variant type: single nucleotide variant.
Coding change: c.901T>G on transcript NM_033131.4 (MANE Select); coding-DNA position 901, T replaced by G.
Protein change: p.Ser301Ala; replaces serine 301 with alanine.
Molecular consequence: missense variant.
Genome position (GRCh38, 1-based): chr1:228,059,307, T>G. VCF-style: chr1-228059307-T-G. GRCh37 (hg19) VCF-style: chr1-228247008-T-G.
Other names: short protein forms S301A.
Identifiers: ClinVar variation 1467773 (VCV001467773.8), dbSNP rs1181222661, ClinGen allele CA345337159.